The following is an entry in ClinVar:

NM_000037.4(ANK1):c.4105-5T>G

Gene: ANK1 (ankyrin 1; minus strand). Cytogenetic location: 8p11.21.
Variant type: single nucleotide variant.
Coding change: c.4105-5T>G on transcript NM_000037.4 (MANE Select); 5 bases into the intron before coding-DNA position 4105, T replaced by G.
Molecular consequence: intron variant.
Genome position (GRCh38, 1-based): chr8:41,688,594, A>C on the plus strand (T>G on the coding strand, the complement: ANK1 is on the minus strand). VCF-style: chr8-41688594-A-C. GRCh37 (hg19) VCF-style: chr8-41546112-A-C.
Other names: c.4228-5T>G (NM_001142446.2); c.4105-5T>G (NM_020477.3, NM_020475.3, NM_020476.3 and 1 more transcripts).
Identifiers: ClinVar variation 911934 (VCV000911934.14), dbSNP rs768183148, ClinGen allele CA4727662.

ClinVar aggregate classification (germline): Conflicting classifications of pathogenicity. Review status: criteria provided, conflicting classifications (1 of 4 stars). 6 submissions from 5 submitters: Uncertain significance (2); Likely benign (3). 1 of the submissions does not count toward it. Last evaluated 2025-10-22.

Conditions:
Hereditary spherocytosis type 1. Also called: Spherocytosis type 1; ANK1-Related Spherocytosis. Identifiers: Orphanet 822, MedGen C2674218, MONDO:0008447, OMIM 182900.
ANK1-related disorder. Also called: ANK1-related condition.
Spherocytosis. Identifiers: MedGen C0553720, HP:0004444.

Allele frequency attached by ClinVar (database versions not stated): gnomAD 0.00005 and 0.00006; TOPMed 0.00009; ExAC 0.00020; gnomAD exomes 0.00020.
gnomAD v4.1: 143 of 1,613,858 alleles (0.0089%); highest among the groups gnomAD compares: Middle Eastern, 0.099%; 1 homozygote.

Submissions (6):

Labcorp Genetics (formerly Invitae), Labcorp
Classification: Likely benign. Last evaluated: 2025-10-22. Review status: criteria provided, single submitter. Criteria: Invitae Variant Classification Sherloc (09022015). Collection method: clinical testing. Allele origin: germline.

ARUP Laboratories, Molecular Genetics and Genomics, ARUP Laboratories
Classification: Likely benign for Hereditary spherocytosis type 1. Last evaluated: 2025-01-02. Review status: criteria provided, single submitter. Criteria: ARUP Molecular Germline Variant Investigation Process 2024. Collection method: clinical testing. Allele origin: germline.

Revvity Omics, Revvity
Classification: Likely benign for Hereditary spherocytosis type 1. Last evaluated: 2023-09-08. Review status: criteria provided, single submitter. Criteria: ACMG Guidelines, 2015. Collection method: clinical testing. Allele origin: germline.

Illumina Laboratory Services, Illumina
Classification: Uncertain significance for Hereditary spherocytosis type 1. Last evaluated: 2018-01-13. Review status: criteria provided, single submitter. Criteria: ICSL Variant Classification Criteria 13 December 2019. Collection method: clinical testing. Allele origin: germline.

Illumina Laboratory Services, Illumina
Classification: Uncertain significance for Spherocytosis. Last evaluated: 2018-01-13. Review status: criteria provided, single submitter. Criteria: ICSL Variant Classification Criteria 13 December 2019. Collection method: clinical testing. Allele origin: germline.

PreventionGenetics, part of Exact Sciences
Classification: Likely benign for ANK1-related condition. Last evaluated: 2022-04-29. Review status: no assertion criteria provided. Collection method: clinical testing. Allele origin: germline. Not counted in ClinVar's aggregate classification.
Comment: This variant is classified as likely benign based on ACMG/AMP sequence variant interpretation guidelines (Richards et al. 2015 PMID: 25741868, with internal and published modifications).